The following is an entry in ClinVar:

NM_014846.4(WASHC5):c.2041del (p.Ser681fs)

Gene: WASHC5 (WASH complex subunit 5; minus strand). Cytogenetic location: 8q24.13.
Variant type: Deletion.
Coding change: c.2041del on transcript NM_014846.4 (MANE Select); coding-DNA position 2041, one base deleted (T; older notation c.2041delT).
Protein change: p.Ser681fs; shifts the reading frame from serine 681.
Molecular consequence: frameshift variant.
Genome position (GRCh38, 1-based): chr8:125,055,647, A deleted on the plus strand (T on the coding strand, the reverse complement: WASHC5 is on the minus strand); the first of 3 consecutive A bases (chr8:125,055,647-125,055,649); deleting any one gives the same sequence. VCF-style (leftmost placement, unchanged base first): chr8-125055646-GA-G. GRCh37 (hg19) VCF-style: chr8-126067888-GA-G.
Other names: c.1597del, p.Ser533fs (NM_001330609.2); short protein forms S533fs, S681fs.
Identifiers: ClinVar variation 4884264 (VCV004884264.2).
Genomic context (GRCh38, chr8:125,055,646, plus strand): 5'-GTTACCTTGATGATGCCAACCAAAGTCGTTTTCATCATTAAGATGCCTTCAGTAAAAATG[GA>G]AATAGCATGAGTAAGCTTGGCAACCTATAACAAAGAAAAAGAGGTATGAAAAATCACTGT-3'

ClinVar aggregate classification (germline): Likely pathogenic (1 of 4 stars; one submission).

Conditions:
Hereditary spastic paraplegia 8 (SPG8). Also called: SPASTIC PARAPLEGIA 8, AUTOSOMAL DOMINANT. Identifiers: Orphanet 100989, MedGen C1863704, MONDO:0011339, OMIM 603563.

Submission:

Dasa
Classification: Likely pathogenic for Hereditary spastic paraplegia 8. Last evaluated: 2025-09-05. Review status: criteria provided, single submitter. Criteria: DASA Assertion Criteria. Collection method: clinical testing. Allele origin: germline.
Comment: NM_014846.4(WASHC5):c.2041del (p.Ser681Profs*8) is a frameshift variant in WASHC5 predicted to alter the reading frame and introduce a premature termination codon and is predicted to result in an absent or altered protein product. Loss of function is an established disease mechanism for WASHC5-associated disorders. Also, this variant is absent from population databases. Based on the currently available evidence, this variant is classified as likely pathogenic.